The following is an entry in ClinVar:

ClinVar aggregate classification (germline): Uncertain significance. Review status: criteria provided, multiple submitters, no conflicts (2 of 4 stars). 4 submissions from 4 submitters: Uncertain significance (4). Last evaluated 2025-09-19.

Conditions:
Noonan syndrome 1 (NS1). Also called: TURNER PHENOTYPE WITH NORMAL KARYOTYPE; FEMALE PSEUDO-TURNER SYNDROME; PTPN11-Related Noonan Syndrome. Identifiers: Orphanet 648, MedGen C4551602, MONDO:0008104, OMIM 163950. Disease mechanism: gain of function.
Cardiovascular phenotype. Identifiers: MedGen CN230736.
RASopathy. Also called: rasopathies; Noonan spectrum disorder. Identifiers: Orphanet 536391, MedGen C5555857, MONDO:0021060.

Allele frequency attached by ClinVar (database versions not stated): gnomAD 0.00001; TOPMed 0.00001; ESP Exome Variant Server 0.00008.
gnomAD v4.1: 3 of 1,613,862 alleles (0.00019%); highest among the groups gnomAD compares: African/African-American, 0.0013%; no homozygotes.

Submissions (4):

Labcorp Genetics (formerly Invitae), Labcorp
Classification: Uncertain significance for RASopathy. Last evaluated: 2025-09-19. Review status: criteria provided, single submitter. Criteria: Invitae Variant Classification Sherloc (09022015). Collection method: clinical testing. Allele origin: germline.
Comment: This sequence change replaces arginine, which is basic and polar, with histidine, which is basic and polar, at codon 173 of the PTPN11 protein (p.Arg173His). This variant is present in population databases (rs369155025, gnomAD 0.01%). This variant has not been reported in the literature in individuals affected with PTPN11-related conditions. ClinVar contains an entry for this variant (Variation ID: 856249). Invitae Evidence Modeling of protein sequence and biophysical properties (such as structural, functional, and spatial information, amino acid conservation, physicochemical variation, residue mobility, and thermodynamic stability) has been performed for this missense variant. However, the output from this modeling did not meet the statistical confidence thresholds required to predict the impact of this variant on PTPN11 protein function. In summary, the available evidence is currently insufficient to determine the role of this variant in disease. Therefore, it has been classified as a Variant of Uncertain Significance.

Ambry Genetics
Classification: Uncertain significance for Cardiovascular phenotype. Last evaluated: 2024-12-16. Review status: criteria provided, single submitter. Criteria: Ambry Variant Classification Scheme 2023. Collection method: clinical testing. Allele origin: germline.
Comment: The p.R173H variant (also known as c.518G>A), located in coding exon 4 of the PTPN11 gene, results from a G to A substitution at nucleotide position 518. The arginine at codon 173 is replaced by histidine, an amino acid with highly similar properties. This amino acid position is well conserved in available vertebrate species. In addition, the in silico prediction for this alteration is inconclusive. Based on the available evidence, the clinical significance of this variant remains unclear.

Clinical Genomics Laboratory, Washington University in St. Louis
Classification: Uncertain significance for Noonan syndrome 1. Last evaluated: 2024-08-08. Review status: criteria provided, single submitter. Criteria: ACMG Guidelines, 2015. Collection method: clinical testing. Allele origin: germline.
Comment: A PTPN11 c.518G>A (p.Arg173His) variant was identified at a near heterozygous allelic fraction of 48.9%, a frequency which may be consistent with germline origin. This variant, to our knowledge, has not been reported in the medical literature, but has been reported in the ClinVar database as a germline variant of uncertain significance by two submitters (Variation ID: 856249). It occurs on 3/1,613,862 alleles in the general population (gnomAD v.4.1.0). Other variants in the same codon have been reported and have been called either likely pathogenic (c.518G>T (p.Arg173Leu) Juchnewitsch AG et al., PMID: 38654924; c.518G>C (p.Arg173Pro) ClinVar variation ID: 450356) or variants of uncertain significance (c.517C>T (p.Arg173Cys) ClinVar variation ID:1745844). Computational predictors are uncertain as to the impact of this variant on PTPN11 function. The PTPN11 gene is defined by the ClinGen RASopathy expert panel as a gene that has a low rate of benign missense variation and where pathogenic missense variants are a common mechanism of disease (Gelb BD et al., PMID: 29493581). Due to limited information, and based on ACMG/AMP guidelines for variant interpretation (Richards S et al., PMID: 25741868) and the ClinGen RASopathy expert panel (Gelb BD et al., PMID: 29493581), the clinical significance of the PTPN11 c.518G>A (p.Arg173His) variant is uncertain at this time.

GeneDx
Classification: Uncertain significance. Last evaluated: 2022-12-29. Review status: criteria provided, single submitter. Criteria: GeneDx Variant Classification Process June 2021. Collection method: clinical testing. Allele origin: germline. Affected: yes.
Comment: The majority of missense variants in this gene are considered pathogenic (HGMD); In silico analysis supports that this missense variant does not alter protein structure/function; Has not been previously published as pathogenic or benign to our knowledge; This variant is associated with the following publications: (PMID: 29493581)

NM_002834.5(PTPN11):c.518G>A (p.Arg173His)

Gene: PTPN11 (protein tyrosine phosphatase non-receptor type 11; plus strand). Cytogenetic location: 12q24.13.
Variant type: single nucleotide variant.
Coding change: c.518G>A on transcript NM_002834.5 (MANE Select); coding-DNA position 518, G replaced by A.
Protein change: p.Arg173His; replaces arginine 173 with histidine.
Molecular consequence: missense variant.
Genome position (GRCh38, 1-based): chr12:112,453,380, G>A. VCF-style: chr12-112453380-G-A. GRCh37 (hg19) VCF-style: chr12-112891184-G-A.
Other names: c.518G>A, p.Arg173His (NM_001330437.2, NM_080601.3); c.515G>A, p.Arg172His (NM_001374625.1); short protein forms R172H, R173H.
Identifiers: ClinVar variation 856249 (VCV000856249.16), dbSNP rs369155025, ClinGen allele CA243708219.